The following is an entry in ClinVar:

ClinVar aggregate classification (germline): Uncertain significance (1 of 4 stars; one submission).

Conditions:
Hereditary breast ovarian cancer syndrome. Also called: Hereditary breast and ovarian cancer syndrome (HBOC); Hereditary breast and ovarian cancer syndrome; Breast and ovarian cancer; Hereditary breast and/or ovarian cancer syndrome; Hereditary breast and ovarian cancer; BRCA1- and BRCA2-Associated Hereditary Breast and Ovarian Cancer. Identifiers: Orphanet 145, MedGen C0677776, MeSH D061325, MONDO:0003582. Disease mechanism: loss of function.

Submission:

Labcorp Genetics (formerly Invitae), Labcorp
Classification: Uncertain significance for Hereditary breast ovarian cancer syndrome. Last evaluated: 2021-07-22. Review status: criteria provided, single submitter. Criteria: Invitae Variant Classification Sherloc (09022015). Collection method: clinical testing. Allele origin: germline.
Comment: This sequence change replaces threonine with isoleucine at codon 2517 of the BRCA2 protein (p.Thr2517Ile). The threonine residue is moderately conserved and there is a moderate physicochemical difference between threonine and isoleucine. This variant is not present in population databases (ExAC no frequency). This variant has not been reported in the literature in individuals affected with BRCA2-related conditions. ClinVar contains an entry for this variant (Variation ID: 462444). Algorithms developed to predict the effect of missense changes on protein structure and function are either unavailable or do not agree on the potential impact of this missense change (SIFT: "Tolerated"; PolyPhen-2: "Possibly Damaging"; Align-GVGD: "Class C0"). In summary, the available evidence is currently insufficient to determine the role of this variant in disease. Therefore, it has been classified as a Variant of Uncertain Significance.

NM_000059.4(BRCA2):c.7550C>T (p.Thr2517Ile)

Gene: BRCA2 (BRCA2 DNA repair associated; plus strand). Cytogenetic location: 13q13.1.
Variant type: single nucleotide variant.
Coding change: c.7550C>T on transcript NM_000059.4 (MANE Select); coding-DNA position 7550, C replaced by T.
Protein change: p.Thr2517Ile; replaces threonine 2517 with isoleucine.
Molecular consequence: missense variant.
Genome position (GRCh38, 1-based): chr13:32,356,542, C>T. VCF-style: chr13-32356542-C-T. GRCh37 (hg19) VCF-style: chr13-32930679-C-T.
Other names: short protein forms T2517I.
Identifiers: ClinVar variation 462444 (VCV000462444.9), dbSNP rs1555286277, ClinGen allele CA387743686.